The following is an entry in ClinVar:

ClinVar aggregate classification (germline): Conflicting classifications of pathogenicity. Review status: criteria provided, conflicting classifications (1 of 4 stars). 5 submissions from 5 submitters: Uncertain significance (1); Likely benign (4). Last evaluated 2025-11-01.

Conditions:
Inborn genetic diseases. Identifiers: MedGen C0950123, MeSH D030342.

Submissions (5):

CeGaT Center for Human Genetics Tuebingen
Classification: Likely benign. Last evaluated: 2025-11-01. Review status: criteria provided, single submitter. Criteria: CeGaT Center For Human Genetics Tuebingen Variant Classification Criteria Version 2. Collection method: clinical testing. Allele origin: germline. Affected: yes. Observed: 1 variant allele.
Comment: SON: BS1

Labcorp Genetics (formerly Invitae), Labcorp
Classification: Likely benign. Last evaluated: 2025-09-20. Review status: criteria provided, single submitter. Criteria: Invitae Variant Classification Sherloc (09022015). Collection method: clinical testing. Allele origin: germline.

Blueprint Genetics
Classification: Likely benign. Last evaluated: 2024-06-14. Review status: criteria provided, single submitter. Criteria: ACMG Guidelines, 2015. Collection method: clinical testing. Allele origin: germline.

Dubai Health Genomic Medicine Center, Dubai Health
Classification: Uncertain significance. Last evaluated: 2022-12-17. Review status: criteria provided, single submitter. Criteria: ACMG Guidelines, 2015. Collection method: clinical testing. Allele origin: germline. Affected: yes.

Ambry Genetics
Classification: Likely benign for Inborn genetic diseases. Last evaluated: 2022-01-31. Review status: criteria provided, single submitter. Criteria: Ambry Variant Classification Scheme 2023. Collection method: clinical testing. Allele origin: germline.

NM_138927.4(SON):c.5943_5963del (p.1957SRTPSRR[5])

Gene: SON (SON DNA and RNA binding protein; plus strand). Cytogenetic location: 21q22.11.
Variant type: Deletion.
Coding change: c.5943_5963del on transcript NM_138927.4 (MANE Select); coding-DNA positions 5943 to 5963, 21 bases deleted (CAGCCGCCGGAGCCGCACCCC).
Protein change: p.1957SRTPSRR[5].
Molecular consequence: inframe deletion. On other transcripts: non-coding transcript variant (1), intron variant (1).
Genome position (GRCh38, 1-based): chr21:33,555,174-33,555,194, CAGCCGCCGGAGCCGCACCCC deleted; deleting any 21 consecutive bases within chr21:33,555,163-33,555,194 gives the same sequence; the c. name uses the placement nearest the transcript's 3' end. VCF-style (leftmost placement, unchanged base first): chr21-33555162-CAGCCGCACCCCCAGCCGCCGG-C. GRCh37 (hg19) VCF-style: chr21-34927468-CAGCCGCACCCCCAGCCGCCGG-C.
Other names: c.5943_5963del, p.1957SRTPSRR[5] (NM_001291411.2, NM_032195.3); c.245-1982_245-1962del (NM_001291412.3); c.5943_5963del21 (NM_138927.1).
Identifiers: ClinVar variation 1583571 (VCV001583571.18), dbSNP rs766784590, ClinGen allele CA638053275.